The following is an entry in ClinVar:

ClinVar aggregate classification (germline): Uncertain significance (1 of 4 stars; one submission).

Conditions:
Developmental and epileptic encephalopathy, 9 (DEE9). Also called: EPILEPSY, FEMALE-RESTRICTED, WITH MENTAL RETARDATION; Early infantile epileptic encephalopathy 9; JUBERG-HELLMAN SYNDROME; PCDH19-Related X-Linked Female-Limited Epilepsy with Mental Retardation. Identifiers: Orphanet 101039, Orphanet 2076, MedGen C1848137, MONDO:0010246, OMIM 300088. Disease mechanism: loss of function.

Allele frequency attached by ClinVar (database versions not stated): gnomAD exomes below 0.00001 and 0.00001.
gnomAD v4.1: 2 of 1,211,634 alleles (0.00017%); highest among the groups gnomAD compares: Admixed American, 0.0022%; no homozygotes.

Submission:

Labcorp Genetics (formerly Invitae), Labcorp
Classification: Uncertain significance for Developmental and epileptic encephalopathy, 9. Last evaluated: 2024-02-01. Review status: criteria provided, single submitter. Criteria: Invitae Variant Classification Sherloc (09022015). Collection method: clinical testing. Allele origin: germline.
Comment: This sequence change replaces aspartic acid, which is acidic and polar, with histidine, which is basic and polar, at codon 611 of the PCDH19 protein (p.Asp611His). This variant is present in population databases (no rsID available, gnomAD 0.004%). This variant has not been reported in the literature in individuals affected with PCDH19-related conditions. ClinVar contains an entry for this variant (Variation ID: 1524326). Advanced modeling of protein sequence and biophysical properties (such as structural, functional, and spatial information, amino acid conservation, physicochemical variation, residue mobility, and thermodynamic stability) has been performed at Invitae for this missense variant, however the output from this modeling did not meet the statistical confidence thresholds required to predict the impact of this variant on PCDH19 protein function. In summary, the available evidence is currently insufficient to determine the role of this variant in disease. Therefore, it has been classified as a Variant of Uncertain Significance.

NM_001184880.2(PCDH19):c.1831G>C (p.Asp611His)

Gene: PCDH19 (protocadherin 19; minus strand). Cytogenetic location: Xq22.1.
Variant type: single nucleotide variant.
Coding change: c.1831G>C on transcript NM_001184880.2 (MANE Select); coding-DNA position 1831, G replaced by C.
Protein change: p.Asp611His; replaces aspartic acid 611 with histidine.
Molecular consequence: missense variant.
Genome position (GRCh38, 1-based): chrX:100,406,767, C>G on the plus strand (G>C on the coding strand, the complement: PCDH19 is on the minus strand). VCF-style: chrX-100406767-C-G. GRCh37 (hg19) VCF-style: chrX-99661765-C-G.
Other names: c.1831G>C, p.Asp611His (NM_001105243.2, NM_020766.3); short protein forms D611H.
Identifiers: ClinVar variation 1524326 (VCV001524326.8), dbSNP rs1361535008, ClinGen allele CA414001874.